The following is an entry in ClinVar:

ClinVar aggregate classification (germline): Uncertain significance (1 of 4 stars; one submission).

Conditions:
Hereditary cancer-predisposing syndrome. Also called: Hereditary Cancer Syndrome; Hereditary neoplastic syndrome; Neoplastic Syndromes, Hereditary; Tumor predisposition. Identifiers: Orphanet 140162, MedGen C0027672, MeSH D009386, MONDO:0015356.

Submission:

Ambry Genetics
Classification: Uncertain significance for Hereditary cancer-predisposing syndrome. Last evaluated: 2022-10-13. Review status: criteria provided, single submitter. Criteria: Ambry Variant Classification Scheme 2023. Collection method: clinical testing. Allele origin: germline.
Comment: The p.T148I variant (also known as c.443C>T), located in coding exon 4 of the NBN gene, results from a C to T substitution at nucleotide position 443. The threonine at codon 148 is replaced by isoleucine, an amino acid with similar properties. This amino acid position is highly conserved in available vertebrate species. In addition, this alteration is predicted to be deleterious by in silico analysis. Since supporting evidence is limited at this time, the clinical significance of this alteration remains unclear.

NM_002485.5(NBN):c.443C>T (p.Thr148Ile)

Gene: NBN (nibrin; minus strand). Cytogenetic location: 8q21.3.
Variant type: single nucleotide variant.
Coding change: c.443C>T on transcript NM_002485.5 (MANE Select); coding-DNA position 443, C replaced by T.
Protein change: p.Thr148Ile; replaces threonine 148 with isoleucine.
Molecular consequence: missense variant.
Genome position (GRCh38, 1-based): chr8:89,980,771, G>A on the plus strand (C>T on the coding strand, the complement: NBN is on the minus strand). VCF-style: chr8-89980771-G-A. GRCh37 (hg19) VCF-style: chr8-90992999-G-A.
Other names: c.197C>T, p.Thr66Ile (NM_001024688.3); short protein forms T148I, T66I.
Identifiers: ClinVar variation 1740615 (VCV001740615.2), dbSNP rs2488355676, ClinGen allele CA371661650.